The following is an entry in ClinVar:

NM_032898.5(CEP19):c.118T>C (p.Ser40Pro)

Gene: CEP19 (centrosomal protein 19; minus strand). Cytogenetic location: 3q29.
Variant type: single nucleotide variant.
Coding change: c.118T>C on transcript NM_032898.5 (MANE Select); coding-DNA position 118, T replaced by C.
Protein change: p.Ser40Pro; replaces serine 40 with proline.
Molecular consequence: missense variant. On other transcripts: intron variant (1).
Genome position (GRCh38, 1-based): chr3:196,708,540, A>G on the plus strand (T>C on the coding strand, the complement: CEP19 is on the minus strand). VCF-style: chr3-196708540-A-G. GRCh37 (hg19) VCF-style: chr3-196435411-A-G.
Other names: c.118T>C, p.Ser40Pro (NM_001379469.1, NM_001379470.1); c.26-628T>C (NM_001379468.1); short protein forms S40P.
Identifiers: ClinVar variation 2054743 (VCV002054743.2), dbSNP rs1711609390, ClinGen allele CA355634728.

ClinVar aggregate classification (germline): Uncertain significance (1 of 4 stars; one submission).

Submission:

Labcorp Genetics (formerly Invitae), Labcorp
Classification: Uncertain significance. Last evaluated: 2022-01-01. Review status: criteria provided, single submitter. Criteria: Invitae Variant Classification Sherloc (09022015). Collection method: clinical testing. Allele origin: germline.
Comment: In summary, the available evidence is currently insufficient to determine the role of this variant in disease. Therefore, it has been classified as a Variant of Uncertain Significance. Algorithms developed to predict the effect of missense changes on protein structure and function (SIFT, PolyPhen-2, Align-GVGD) all suggest that this variant is likely to be disruptive. This variant has not been reported in the literature in individuals affected with CEP19-related conditions. This variant is not present in population databases (gnomAD no frequency). This sequence change replaces serine, which is neutral and polar, with proline, which is neutral and non-polar, at codon 44 of the CEP19 protein (p.Ser44Pro).